The following is an entry in ClinVar:

ClinVar aggregate classification (germline): Uncertain significance (1 of 4 stars; one submission).

gnomAD v4.1: 17 of 1,613,796 alleles (0.0011%); highest among the groups gnomAD compares: Non-Finnish European, 0.0014%; no homozygotes.

Submission:

Women's Health and Genetics/Laboratory Corporation of America, LabCorp
Classification: Uncertain significance. Last evaluated: 2026-02-11. Review status: criteria provided, single submitter. Criteria: LabCorp Variant Classification Summary - May 2015. Collection method: clinical testing. Allele origin: germline.
Comment: Variant summary: RANBP2 c.8371T>C (p.Cys2791Arg) results in a non-conservative amino acid change in the encoded protein sequence. Algorithms developed to predict the effect of missense changes on protein structure and function are either unavailable or do not agree on the potential impact of this missense change. The variant allele was found at a frequency of 4e-06 in 251268 control chromosomes. The available data on variant occurrences in the general population are insufficient to allow any conclusion about variant significance. To our knowledge, no occurrence of c.8371T>C in individuals affected with RANBP2-related conditions and no experimental evidence demonstrating its impact on protein function have been reported. No submitters have cited clinical-significance assessments for this variant to ClinVar. Based on the evidence outlined above, the variant was classified as uncertain significance.

NM_006267.5(RANBP2):c.8371T>C (p.Cys2791Arg)

Gene: RANBP2 (RAN binding protein 2; plus strand). Cytogenetic location: 2q13.
Variant type: single nucleotide variant.
Coding change: c.8371T>C on transcript NM_006267.5 (MANE Select); coding-DNA position 8371, T replaced by C.
Protein change: p.Cys2791Arg; replaces cysteine 2791 with arginine.
Molecular consequence: missense variant.
Genome position (GRCh38, 1-based): chr2:108,775,810, T>C. VCF-style: chr2-108775810-T-C. GRCh37 (hg19) VCF-style: chr2-109392266-T-C.
Other names: c.8449T>C, p.Cys2817Arg (NM_001415871.1); c.8368T>C, p.Cys2790Arg (NM_001415872.1); c.8395T>C, p.Cys2799Arg (NM_001415873.1); short protein forms C2790R, C2791R, C2799R, C2817R.
Identifiers: ClinVar variation 4847910 (VCV004847910.1).
Genomic context (GRCh38, chr2:108,775,810, plus strand): 5'-ATAACTAGCACAACTGACAGTGTATATACAGGTGGGACTGAAGTGATGGTACCTTCTTTC[T>C]GTAAATCTGAAGAACCTGATTCTATTACCAAATCCATTAGTTCACCATCTGTTTCCTCTG-3'
Protein context (NP_006258.3, residues 2781-2801): GGTEVMVPSF[Cys2791Arg]KSEEPDSITK